The following is an entry in ClinVar:

NM_001048174.2(MUTYH):c.1103-27C>T

Gene: MUTYH (mutY DNA glycosylase; minus strand). Cytogenetic location: 1p34.1.
Variant type: single nucleotide variant.
Coding change: c.1103-27C>T on transcript NM_001048174.2 (MANE Select); 27 bases into the intron before coding-DNA position 1103, C replaced by T.
Molecular consequence: intron variant.
Genome position (GRCh38, 1-based): chr1:45,331,583, G>A on the plus strand (C>T on the coding strand, the complement: MUTYH is on the minus strand). VCF-style: chr1-45331583-G-A. GRCh37 (hg19) VCF-style: chr1-45797255-G-A.
Other names: c.758-27C>T (NM_001350651.2, NM_001350650.2); c.827-27C>T (NM_001293192.2, NM_001293196.2); c.1103-27C>T (NM_001048171.2, NM_001048173.2, NM_001293195.2); c.1148-27C>T (NM_001293190.2); c.1178-27C>T (NM_012222.3); c.1187-27C>T (NM_001128425.2); c.1106-27C>T (NM_001048172.2); c.1136-27C>T (NM_001293191.2).
Identifiers: ClinVar variation 801475 (VCV000801475.63), dbSNP rs3219490, ClinGen allele CA055390.

ClinVar aggregate classification (germline): Benign/Likely benign. Review status: criteria provided, multiple submitters, no conflicts (2 of 4 stars). 8 submissions from 8 submitters: Benign (2); Likely benign (5). 1 of the submissions does not count toward it. Last evaluated 2026-09-01.

Conditions:
Familial adenomatous polyposis 2. Also called: MYH-associated polyposis; MUTYH-associated polyposis; MUTYH Polyposis; COLORECTAL ADENOMATOUS POLYPOSIS, AUTOSOMAL RECESSIVE; Adenomas, multiple colorectal; ADENOMAS, MULTIPLE COLORECTAL, AUTOSOMAL RECESSIVE. Identifiers: Orphanet 220460, Orphanet 247798, MedGen C3272841, MONDO:0012041, OMIM 608456.
MUTYH-related disorder. Also called: MUTYH-related condition; MUTYH-related disorders.
Hereditary cancer-predisposing syndrome. Also called: Hereditary Cancer Syndrome; Tumor predisposition; Neoplastic Syndromes, Hereditary; Hereditary neoplastic syndrome. Identifiers: Orphanet 140162, MedGen C0027672, MeSH D009386, MONDO:0015356.

Allele frequency attached by ClinVar (database versions not stated): 1000 Genomes Project 0.00180; 1000 Genomes Project 30x 0.00203; gnomAD 0.00297 and 0.00300; TOPMed 0.00320; ESP Exome Variant Server 0.00338; gnomAD exomes 0.00365 and 0.00438; ExAC 0.00407.
gnomAD v4.1: 6,862 of 1,613,578 alleles (0.43%); highest among the groups gnomAD compares: Middle Eastern, 0.61%; 17 homozygotes.

Submissions (8):

CeGaT Center for Human Genetics Tuebingen
Classification: Likely benign. Last evaluated: 2026-09-01. Review status: criteria provided, single submitter. Criteria: CeGaT Center For Human Genetics Tuebingen Variant Classification Criteria Version 2. Collection method: clinical testing. Allele origin: germline. Affected: yes. Observed: 34 variant alleles.
Comment: MUTYH: BS2

Labcorp Genetics (formerly Invitae), Labcorp
Classification: Benign for Familial adenomatous polyposis 2. Last evaluated: 2025-11-10. Review status: criteria provided, single submitter. Criteria: Invitae Variant Classification Sherloc (09022015). Collection method: clinical testing. Allele origin: germline.

ARUP Laboratories, Molecular Genetics and Genomics, ARUP Laboratories
Classification: Benign. Last evaluated: 2025-07-15. Review status: criteria provided, single submitter. Criteria: ARUP Molecular Germline Variant Investigation Process 2024. Collection method: clinical testing. Allele origin: germline.

Center for Genomic Medicine, Rigshospitalet, Copenhagen University Hospital
Classification: Likely benign. Last evaluated: 2025-03-04. Review status: criteria provided, single submitter. Criteria: ACMG Guidelines, 2015. Collection method: clinical testing. Allele origin: germline.

Sema4
Classification: Likely benign for Hereditary cancer-predisposing syndrome. Last evaluated: 2021-07-29. Review status: criteria provided, single submitter. Criteria: Sema4 Curation Guidelines. Collection method: curation. Allele origin: germline.

GeneDx
Classification: Likely benign. Last evaluated: 2019-06-24. Review status: criteria provided, single submitter. Criteria: GeneDx Variant Classification Process June 2021. Collection method: clinical testing. Allele origin: germline. Affected: yes.
Comment: This variant is associated with the following publications: (PMID: 17949294, 15943555, 17524638, 16774938, 16616356, 16557584, 22297469, 20191381, 21777424, 27829682)

Mendelics
Classification: Likely benign for Familial adenomatous polyposis 2. Last evaluated: 2019-05-28. Review status: criteria provided, single submitter. Criteria: Mendelics Assertion Criteria 2017. Collection method: clinical testing. Allele origin: unknown.

PreventionGenetics, part of Exact Sciences
Classification: Likely benign for MUTYH-related condition. Last evaluated: 2021-12-02. Review status: no assertion criteria provided. Collection method: clinical testing. Allele origin: germline. Not counted in ClinVar's aggregate classification.
Comment: This variant is classified as likely benign based on ACMG/AMP sequence variant interpretation guidelines (Richards et al. 2015 PMID: 25741868, with internal and published modifications).